The following is an entry in ClinVar:

NM_004304.5(ALK):c.2750C>A (p.Thr917Lys)

Gene: ALK (ALK receptor tyrosine kinase; minus strand). Cytogenetic location: 2p23.2.
Variant type: single nucleotide variant.
Coding change: c.2750C>A on transcript NM_004304.5 (MANE Select); coding-DNA position 2750, C replaced by A.
Protein change: p.Thr917Lys; replaces threonine 917 with lysine.
Molecular consequence: missense variant.
Genome position (GRCh38, 1-based): chr2:29,228,949, G>T on the plus strand (C>A on the coding strand, the complement: ALK is on the minus strand). VCF-style: chr2-29228949-G-T. GRCh37 (hg19) VCF-style: chr2-29451815-G-T.
Other names: short protein forms T917K.
Identifiers: ClinVar variation 3521718 (VCV003521718.1).

ClinVar aggregate classification (germline): Uncertain significance (1 of 4 stars; one submission).

Conditions:
Hereditary cancer-predisposing syndrome. Also called: Hereditary Cancer Syndrome; Hereditary neoplastic syndrome; Tumor predisposition; Neoplastic Syndromes, Hereditary. Identifiers: Orphanet 140162, MedGen C0027672, MeSH D009386, MONDO:0015356.

Submission:

Ambry Genetics
Classification: Uncertain significance for Hereditary cancer-predisposing syndrome. Last evaluated: 2024-07-19. Review status: criteria provided, single submitter. Criteria: Ambry Variant Classification Scheme 2023. Collection method: clinical testing. Allele origin: germline.
Comment: The p.T917K variant (also known as c.2750C>A), located in coding exon 16 of the ALK gene, results from a C to A substitution at nucleotide position 2750. The threonine at codon 917 is replaced by lysine, an amino acid with similar properties. This amino acid position is highly conserved in available vertebrate species. In addition, the in silico prediction for this alteration is inconclusive. Based on the available evidence, the clinical significance of this variant remains unclear.